The following is an entry in ClinVar:

ClinVar aggregate classification (germline): Benign (0 of 4 stars; one submission).

Conditions:
PIP5K1C-related disorder. Also called: PIP5K1C-related condition.

Allele frequency attached by ClinVar (database versions not stated): ExAC 0.00018; gnomAD exomes 0.00044; gnomAD 0.00053; TOPMed 0.00067; 1000 Genomes Project 0.00140; 1000 Genomes Project 30x 0.00219.
gnomAD v4.1: 683 of 1,535,696 alleles (0.044%); highest among the groups gnomAD compares: East Asian, 1.5%; 9 homozygotes.

Submission:

PreventionGenetics, part of Exact Sciences
Classification: Benign for PIP5K1C-related condition. Last evaluated: 2019-10-28. Review status: no assertion criteria provided. Collection method: clinical testing. Allele origin: germline.
Comment: This variant is classified as benign based on ACMG/AMP sequence variant interpretation guidelines (Richards et al. 2015 PMID: 25741868, with internal and published modifications).

NM_012398.3(PIP5K1C):c.1920+1411C>T

Gene: PIP5K1C (phosphatidylinositol-4-phosphate 5-kinase type 1 gamma; minus strand). Cytogenetic location: 19p13.3.
Variant type: single nucleotide variant.
Coding change: c.1920+1411C>T on transcript NM_012398.3 (MANE Select); 1411 bases into the intron after coding-DNA position 1920, C replaced by T.
Molecular consequence: intron variant. On other transcripts: synonymous variant (1).
Genome position (GRCh38, 1-based): chr19:3,637,473, G>A on the plus strand (C>T on the coding strand, the complement: PIP5K1C is on the minus strand). VCF-style: chr19-3637473-G-A. GRCh37 (hg19) VCF-style: chr19-3637471-G-A.
Other names: c.2061C>T, p.Ala687= (NM_001300849.2); c.1920+1411C>T (NM_001195733.2).
Identifiers: ClinVar variation 3040219 (VCV003040219.2), dbSNP rs556931990, ClinGen allele CA9081954.